The following is an entry in ClinVar:

ClinVar aggregate classification (germline): Uncertain significance (1 of 4 stars; one submission).

Conditions:
Hereditary cancer-predisposing syndrome. Also called: Hereditary neoplastic syndrome; Neoplastic Syndromes, Hereditary; Tumor predisposition; Hereditary Cancer Syndrome. Identifiers: Orphanet 140162, MedGen C0027672, MeSH D009386, MONDO:0015356.

Submission:

Ambry Genetics
Classification: Uncertain significance for Hereditary cancer-predisposing syndrome. Last evaluated: 2025-07-01. Review status: criteria provided, single submitter. Criteria: Ambry Variant Classification Scheme 2023. Collection method: clinical testing. Allele origin: germline.
Comment: The p.S478R variant (also known as c.1434C>A), located in coding exon 11 of the POLD1 gene, results from a C to A substitution at nucleotide position 1434. The serine at codon 478 is replaced by arginine, an amino acid with dissimilar properties. This amino acid position is highly conserved in available vertebrate species. In addition, the in silico prediction for this alteration is inconclusive. Based on the available evidence, the clinical significance of this variant remains unclear.

NM_002691.4(POLD1):c.1434C>A (p.Ser478Arg)

Gene: POLD1 (DNA polymerase delta 1, catalytic subunit; plus strand). Cytogenetic location: 19q13.33.
Variant type: single nucleotide variant.
Coding change: c.1434C>A on transcript NM_002691.4 (MANE Select); coding-DNA position 1434, C replaced by A.
Protein change: p.Ser478Arg; replaces serine 478 with arginine.
Molecular consequence: missense variant. On other transcripts: non-coding transcript variant (1).
Genome position (GRCh38, 1-based): chr19:50,406,457, C>A. VCF-style: chr19-50406457-C-A. GRCh37 (hg19) VCF-style: chr19-50909714-C-A.
Other names: c.1434C>A, p.Ser478Arg (NM_001256849.1, NM_001308632.1, NM_001438210.1 and 3 more transcripts); short protein forms S478R.
Identifiers: ClinVar variation 4140987 (VCV004140987.1).